The following is an entry in ClinVar:

NM_001365951.3(KIF1B):c.4654A>C (p.Thr1552Pro)

Gene: KIF1B (kinesin family member 1B; plus strand). Cytogenetic location: 1p36.22.
Variant type: single nucleotide variant.
Coding change: c.4654A>C on transcript NM_001365951.3 (MANE Select); coding-DNA position 4654, A replaced by C.
Protein change: p.Thr1552Pro; replaces threonine 1552 with proline.
Molecular consequence: missense variant.
Genome position (GRCh38, 1-based): chr1:10,365,550, A>C. VCF-style: chr1-10365550-A-C. GRCh37 (hg19) VCF-style: chr1-10425608-A-C.
Other names: c.4654A>C, p.Thr1552Pro (NM_001365952.1); c.4516A>C, p.Thr1506Pro (NM_015074.3); short protein forms T1506P, T1552P.
Identifiers: ClinVar variation 1741162 (VCV001741162.2), dbSNP rs1638547209, ClinGen allele CA338322147.
Genomic context (GRCh38, chr1:10,365,550, plus strand): 5'-CCCAGCCTCAGCAGTGGGACCCTCAGCACCTCCACCAGTATCTCCTCTCAGATCTCAACC[A>C]CTACCTTTGAAAGCGCCATCACACCTAGCGAGAGCAGTGGCTATGATTCAGGAGACATCG-3'
Protein context (NP_001352880.1, residues 1542-1562): STSISSQIST[Thr1552Pro]TFESAITPSE

ClinVar aggregate classification (germline): Uncertain significance (1 of 4 stars; one submission).

Submission:

Ambry Genetics
Classification: Uncertain significance. Last evaluated: 2022-02-23. Review status: criteria provided, single submitter. Criteria: Ambry Variant Classification Scheme 2023. Collection method: clinical testing. Allele origin: germline.
Comment: The p.T1506P variant (also known as c.4516A>C), located in coding exon 40 of the KIF1B gene, results from an A to C substitution at nucleotide position 4516. The threonine at codon 1506 is replaced by proline, an amino acid with highly similar properties. This amino acid position is conserved. In addition, the in silico prediction for this alteration is inconclusive. Since supporting evidence is limited at this time, the clinical significance of this alteration remains unclear.